The following is an entry in ClinVar:

NM_002332.3(LRP1):c.11445C>T (p.Thr3815=)

Gene: LRP1 (LDL receptor related protein 1; plus strand). Cytogenetic location: 12q13.3.
Variant type: single nucleotide variant.
Coding change: c.11445C>T on transcript NM_002332.3 (MANE Select); coding-DNA position 11445, C replaced by T.
Protein change: p.Thr3815=; no amino-acid change (threonine 3815 retained).
Molecular consequence: synonymous variant.
Genome position (GRCh38, 1-based): chr12:57,205,460, C>T. VCF-style: chr12-57205460-C-T. GRCh37 (hg19) VCF-style: chr12-57599243-C-T.
Identifiers: ClinVar variation 3050410 (VCV003050410.3), dbSNP rs150228051, ClinGen allele CA6645300.

ClinVar aggregate classification (germline): Likely benign. Review status: criteria provided, single submitter (1 of 4 stars). 2 submissions from 2 submitters: Likely benign (1). 1 of the submissions does not count toward it. Last evaluated 2024-11-07.

Conditions:
LRP1-related disorder. Also called: LRP1-related condition.

Allele frequency attached by ClinVar (database versions not stated): TOPMed 0.00014; gnomAD 0.00025; 1000 Genomes Project 30x 0.00062; 1000 Genomes Project 0.00080.
gnomAD v4.1: 253 of 1,611,054 alleles (0.016%); highest among the groups gnomAD compares: East Asian, 0.47%; 1 homozygote.

Submissions (2):

Blueprint Genetics
Classification: Likely benign. Last evaluated: 2024-11-07. Review status: criteria provided, single submitter. Criteria: ACMG Guidelines, 2015. Collection method: clinical testing. Allele origin: germline.

PreventionGenetics, part of Exact Sciences
Classification: Likely benign for LRP1-related condition. Last evaluated: 2019-07-11. Review status: no assertion criteria provided. Collection method: clinical testing. Allele origin: germline. Not counted in ClinVar's aggregate classification.
Comment: This variant is classified as likely benign based on ACMG/AMP sequence variant interpretation guidelines (Richards et al. 2015 PMID: 25741868, with internal and published modifications).